The following is an entry in ClinVar:

NM_002354.3(EPCAM):c.758A>T (p.Asp253Val)

Gene: EPCAM (epithelial cell adhesion molecule; plus strand). Cytogenetic location: 2p21.
Variant type: single nucleotide variant.
Coding change: c.758A>T on transcript NM_002354.3 (MANE Select); coding-DNA position 758, A replaced by T.
Protein change: p.Asp253Val; replaces aspartic acid 253 with valine.
Molecular consequence: missense variant.
Genome position (GRCh38, 1-based): chr2:47,379,869, A>T. VCF-style: chr2-47379869-A-T. GRCh37 (hg19) VCF-style: chr2-47607008-A-T.
Other names: short protein forms D253V.
Identifiers: ClinVar variation 1759649 (VCV001759649.3), dbSNP rs2103759105, ClinGen allele CA346724639.

ClinVar aggregate classification (germline): Uncertain significance (1 of 4 stars; one submission).

Conditions:
Hereditary cancer-predisposing syndrome. Also called: Neoplastic Syndromes, Hereditary; Tumor predisposition; Hereditary Cancer Syndrome; Hereditary neoplastic syndrome. Identifiers: Orphanet 140162, MedGen C0027672, MeSH D009386, MONDO:0015356.

gnomAD v4.1: 2 of 1,614,200 alleles (0.00012%); highest among the groups gnomAD compares: Non-Finnish European, 0.00017%; no homozygotes.

Submission:

Ambry Genetics
Classification: Uncertain significance for Hereditary cancer-predisposing syndrome. Last evaluated: 2024-11-14. Review status: criteria provided, single submitter. Criteria: Ambry Variant Classification Scheme 2023. Collection method: clinical testing. Allele origin: germline.
Comment: The p.D253V variant (also known as c.758A>T), located in coding exon 7 of the EPCAM gene, results from an A to T substitution at nucleotide position 758. The aspartic acid at codon 253 is replaced by valine, an amino acid with highly dissimilar properties. This amino acid position is conserved. In addition, this alteration is predicted to be deleterious by in silico analysis. Since supporting evidence is limited at this time, the clinical significance of this alteration remains unclear.